The following is an entry in ClinVar:

ClinVar aggregate classification (germline): Uncertain significance. Review status: criteria provided, multiple submitters, no conflicts (2 of 4 stars). 2 submissions from 2 submitters: Uncertain significance (2). Last evaluated 2025-03-13.

Conditions:
Hereditary spherocytosis type 1. Also called: Spherocytosis type 1; ANK1-Related Spherocytosis. Identifiers: Orphanet 822, MedGen C2674218, MONDO:0008447, OMIM 182900.

Submissions (2):

Labcorp Genetics (formerly Invitae), Labcorp
Classification: Uncertain significance. Last evaluated: 2025-03-13. Review status: criteria provided, single submitter. Criteria: Invitae Variant Classification Sherloc (09022015). Collection method: clinical testing. Allele origin: germline.
Comment: This sequence change replaces histidine, which is basic and polar, with proline, which is neutral and non-polar, at codon 343 of the ANK1 protein (p.His343Pro). This variant is not present in population databases (gnomAD no frequency). This variant has not been reported in the literature in individuals affected with ANK1-related conditions. ClinVar contains an entry for this variant (Variation ID: 2688562). Invitae Evidence Modeling of protein sequence and biophysical properties (such as structural, functional, and spatial information, amino acid conservation, physicochemical variation, residue mobility, and thermodynamic stability) has been performed for this missense variant. However, the output from this modeling did not meet the statistical confidence thresholds required to predict the impact of this variant on ANK1 protein function. In summary, the available evidence is currently insufficient to determine the role of this variant in disease. Therefore, it has been classified as a Variant of Uncertain Significance.

Revvity Omics, Revvity
Classification: Uncertain significance for Hereditary spherocytosis type 1. Last evaluated: 2023-02-06. Review status: criteria provided, single submitter. Criteria: ACMG Guidelines, 2015. Collection method: clinical testing. Allele origin: germline.

NM_000037.4(ANK1):c.1028A>C (p.His343Pro)

Gene: ANK1 (ankyrin 1; minus strand). Cytogenetic location: 8p11.21.
Variant type: single nucleotide variant.
Coding change: c.1028A>C on transcript NM_000037.4 (MANE Select); coding-DNA position 1028, A replaced by C.
Protein change: p.His343Pro; replaces histidine 343 with proline.
Molecular consequence: missense variant.
Genome position (GRCh38, 1-based): chr8:41,719,740, T>G on the plus strand (A>C on the coding strand, the complement: ANK1 is on the minus strand). VCF-style: chr8-41719740-T-G. GRCh37 (hg19) VCF-style: chr8-41577258-T-G.
Other names: c.1127A>C, p.His376Pro (NM_001142446.2); c.1028A>C, p.His343Pro (NM_020475.3, NM_020476.3, NM_020477.3); short protein forms H343P, H376P.
Identifiers: ClinVar variation 2688562 (VCV002688562.3), dbSNP rs2486943997, ClinGen allele CA371041205.
Genomic context (GRCh38, chr8:41,719,740, plus strand): 5'-TTGGCCCCTTTATCCAGAAGGACCTTAGCCACCCTGTGGTGTCCACAGTGGGCAGCCACG[T>G]GGAGTGGGGTCAGGTGGTCCAGGGTGATGTCGTCTATCTCTGCGTCGTATTGCAACAGGA-3'
Protein context (NP_000028.3, residues 333-353): DITLDHLTPL[His343Pro]VAAHCGHHRV